The following is an entry in ClinVar:

ClinVar aggregate classification (germline): Uncertain significance (1 of 4 stars; one submission).

Conditions:
Familial meningioma. Also called: Meningioma, familial, susceptibility to. Identifiers: Orphanet 263662, MedGen C3551915, MONDO:0011789, OMIM 607174.

Submission:

Labcorp Genetics (formerly Invitae), Labcorp
Classification: Uncertain significance for Familial meningioma. Last evaluated: 2025-09-01. Review status: criteria provided, single submitter. Criteria: Invitae Variant Classification Sherloc (09022015). Collection method: clinical testing. Allele origin: germline.
Comment: This sequence change replaces serine, which is neutral and polar, with arginine, which is basic and polar, at codon 383 of the SMARCE1 protein (p.Ser383Arg). This variant is not present in population databases (gnomAD no frequency). This variant has not been reported in the literature in individuals affected with SMARCE1-related conditions. ClinVar contains an entry for this variant (Variation ID: 2781575). Invitae Evidence Modeling of protein sequence and biophysical properties (such as structural, functional, and spatial information, amino acid conservation, physicochemical variation, residue mobility, and thermodynamic stability) indicates that this missense variant is not expected to disrupt SMARCE1 protein function with a negative predictive value of 80%. In summary, the available evidence is currently insufficient to determine the role of this variant in disease. Therefore, it has been classified as a Variant of Uncertain Significance.

NM_003079.5(SMARCE1):c.1147A>C (p.Ser383Arg)

Gene: SMARCE1 (SWI/SNF related BAF chromatin remodeling complex subunit E1; minus strand). Cytogenetic location: 17q21.2.
Variant type: single nucleotide variant.
Coding change: c.1147A>C on transcript NM_003079.5 (MANE Select); coding-DNA position 1147, A replaced by C.
Protein change: p.Ser383Arg; replaces serine 383 with arginine.
Molecular consequence: missense variant.
Genome position (GRCh38, 1-based): chr17:40,628,874, T>G on the plus strand (A>C on the coding strand, the complement: SMARCE1 is on the minus strand). VCF-style: chr17-40628874-T-G. GRCh37 (hg19) VCF-style: chr17-38785126-T-G.
Other names: short protein forms S383R.
Identifiers: ClinVar variation 2781575 (VCV002781575.3), dbSNP rs1322064785, ClinGen allele CA399361154.